The following is an entry in ClinVar:

NM_005529.7(HSPG2):c.4601C>G (p.Pro1534Arg)

Gene: HSPG2 (heparan sulfate proteoglycan 2; minus strand). Cytogenetic location: 1p36.12.
Variant type: single nucleotide variant.
Coding change: c.4601C>G on transcript NM_005529.7 (MANE Select); coding-DNA position 4601, C replaced by G.
Protein change: p.Pro1534Arg; replaces proline 1534 with arginine.
Molecular consequence: missense variant.
Genome position (GRCh38, 1-based): chr1:21,864,868, G>C on the plus strand (C>G on the coding strand, the complement: HSPG2 is on the minus strand). VCF-style: chr1-21864868-G-C. GRCh37 (hg19) VCF-style: chr1-22191361-G-C.
Other names: c.4604C>G, p.Pro1535Arg (NM_001291860.2); short protein forms P1534R, P1535R.
Identifiers: ClinVar variation 287524 (VCV000287524.33), dbSNP rs142736845, ClinGen allele CA672218.

ClinVar aggregate classification (germline): Conflicting classifications of pathogenicity. Review status: criteria provided, conflicting classifications (1 of 4 stars). 12 submissions from 11 submitters: Uncertain significance (6); Benign (2); Likely benign (3). 1 of the submissions does not count toward it. Last evaluated 2025-12-31.

Conditions:
HSPG2-related disorder. Also called: HSPG2-related condition; HSPG2-related disorders.
Schwartz-Jampel syndrome. Also called: Myotonic myopathy dwarfism chondrodystrophy and ocular and facial abnormalities. Identifiers: Orphanet 800, MedGen C0036391, MONDO:0009717.
Multiple congenital anomalies/dysmorphic syndrome. Identifiers: Orphanet 68341, MedGen C5681310, MONDO:0019042.
Connective tissue disorder. Also called: Connective tissue disease. Identifiers: MedGen C0009782, MONDO:0003900.
Lethal Kniest-like syndrome (DDSH). Also called: Dyssegmental Dysplasia. Identifiers: Orphanet 1865, MedGen C1857100, MONDO:0009140, OMIM 224410.

Allele frequency attached by ClinVar (database versions not stated): 1000 Genomes Project 30x 0.00016; gnomAD 0.00129 and 0.00133; gnomAD exomes 0.00135 and 0.00163; ESP Exome Variant Server 0.00139; ExAC 0.00144; TOPMed 0.00170.
gnomAD v4.1: 2,593 of 1,610,498 alleles (0.16%); highest among the groups gnomAD compares: Admixed American, 0.26%; 7 homozygotes.

Submissions (12):

Labcorp Genetics (formerly Invitae), Labcorp
Classification: Likely benign. Last evaluated: 2025-12-31. Review status: criteria provided, single submitter. Criteria: Invitae Variant Classification Sherloc (09022015). Collection method: clinical testing. Allele origin: germline.

Blueprint Genetics
Classification: Likely benign. Last evaluated: 2024-11-26. Review status: criteria provided, single submitter. Criteria: ACMG Guidelines, 2015. Collection method: clinical testing. Allele origin: germline.

Women's Health and Genetics/Laboratory Corporation of America, LabCorp
Classification: Uncertain significance. Last evaluated: 2024-04-03. Review status: criteria provided, single submitter. Criteria: LabCorp Variant Classification Summary - May 2015. Collection method: clinical testing. Allele origin: germline.
Comment: Variant summary: HSPG2 c.4601C>G (p.Pro1534Arg) results in a non-conservative amino acid change located in the Laminin EGF domain (IPR002049) of the encoded protein sequence. Four of five in-silico tools predict a damaging effect of the variant on protein function. The variant allele was found at a frequency of 0.0016 in 1610498 control chromosomes in the gnomAD database, including 7 homozygotes. To our knowledge, no occurrence of c.4601C>G in individuals affected with HSPG2-Related Disorders and no experimental evidence demonstrating its impact on protein function have been reported. ClinVar contains an entry for this variant (Variation ID: 287524). Based on the evidence outlined above, the variant was classified as VUS-possibly benign.

Athena Diagnostics
Classification: Benign. Last evaluated: 2021-07-29. Review status: criteria provided, single submitter. Criteria: Athena Diagnostics Criteria. Collection method: clinical testing. Allele origin: unknown.

Genome Diagnostics Laboratory, The Hospital for Sick Children
Classification: Uncertain significance for Connective tissue disorder. Last evaluated: 2021-03-07. Review status: criteria provided, single submitter. Criteria: ACMG Guidelines, 2015. Collection method: clinical testing. Allele origin: germline.

GeneDx
Classification: Likely benign. Last evaluated: 2020-12-28. Review status: criteria provided, single submitter. Criteria: GeneDx Variant Classification Process June 2021. Collection method: clinical testing. Allele origin: germline. Affected: yes.
Comment: In silico analysis, which includes protein predictors and evolutionary conservation, supports a deleterious effect

Cambridge Genomics Laboratory, East Genomic Laboratory Hub, NHS Genomic Medicine Service
Classification: Benign for Multiple congenital anomalies/dysmorphic syndrome. Last evaluated: 2019-06-28. Review status: criteria provided, single submitter. Criteria: ACGS Best Practice Guidelines for Variant Classification in Rare Disease 2020. Collection method: clinical testing. Allele origin: germline. Affected: yes. Observed: 1 variant allele.

Fulgent Genetics
Classification: Uncertain significance for Lethal Kniest-like syndrome; Schwartz-Jampel syndrome type 1. Last evaluated: 2018-10-31. Review status: criteria provided, single submitter. Criteria: ACMG Guidelines, 2015. Collection method: clinical testing. Allele origin: unknown.

Illumina Laboratory Services, Illumina
Classification: Uncertain significance for Schwartz-Jampel syndrome type 1. Last evaluated: 2018-01-13. Review status: criteria provided, single submitter. Criteria: ICSL Variant Classification Criteria 13 December 2019. Collection method: clinical testing. Allele origin: germline.

Illumina Laboratory Services, Illumina
Classification: Uncertain significance for Lethal Kniest-like syndrome. Last evaluated: 2018-01-13. Review status: criteria provided, single submitter. Criteria: ICSL Variant Classification Criteria 13 December 2019. Collection method: clinical testing. Allele origin: germline.

Eurofins Ntd Llc (ga)
Classification: Uncertain significance. Last evaluated: 2016-05-03. Review status: criteria provided, single submitter. Criteria: EGL Classification Definitions 2015. Collection method: clinical testing. Allele origin: germline. Observed: 1 variant allele, 1 heterozygote.

PreventionGenetics, part of Exact Sciences
Classification: Likely benign for HSPG2-related condition. Last evaluated: 2022-04-12. Review status: no assertion criteria provided. Collection method: clinical testing. Allele origin: germline. Not counted in ClinVar's aggregate classification.
Comment: This variant is classified as likely benign based on ACMG/AMP sequence variant interpretation guidelines (Richards et al. 2015 PMID: 25741868, with internal and published modifications).